The following is an entry in ClinVar:

ClinVar aggregate classification (germline): Uncertain significance (1 of 4 stars; one submission).

Submission:

GeneDx
Classification: Uncertain significance. Last evaluated: 2024-09-04. Review status: criteria provided, single submitter. Criteria: GeneDx Variant Classification Process June 2021. Collection method: clinical testing. Allele origin: germline. Affected: yes.
Comment: Not observed at significant frequency in large population cohorts (gnomAD); In silico analysis supports that this missense variant has a deleterious effect on protein structure/function; Has not been previously published as pathogenic or benign to our knowledge

NM_001128840.3(CACNA1D):c.339C>A (p.Asn113Lys)

Gene: CACNA1D (calcium voltage-gated channel subunit alpha1 D; plus strand). Cytogenetic location: 3p21.1.
Variant type: single nucleotide variant.
Coding change: c.339C>A on transcript NM_001128840.3 (MANE Select); coding-DNA position 339, C replaced by A.
Protein change: p.Asn113Lys; replaces asparagine 113 with lysine.
Molecular consequence: missense variant.
Genome position (GRCh38, 1-based): chr3:53,497,423, C>A. VCF-style: chr3-53497423-C-A. GRCh37 (hg19) VCF-style: chr3-53531450-C-A.
Other names: c.339C>A, p.Asn113Lys (NM_000720.4, NM_001128839.3); short protein forms N113K.
Identifiers: ClinVar variation 3767395 (VCV003767395.1).